The following is an entry in ClinVar:

ClinVar aggregate classification (germline): Conflicting classifications of pathogenicity. Review status: criteria provided, conflicting classifications (1 of 4 stars). 2 submissions from 2 submitters: Uncertain significance (1); Likely benign (1). Last evaluated 2023-03-23.

Conditions:
Hereditary breast ovarian cancer syndrome. Also called: BRCA1- and BRCA2-Associated Hereditary Breast and Ovarian Cancer; Hereditary breast and ovarian cancer; Hereditary breast and/or ovarian cancer syndrome; Hereditary breast and ovarian cancer syndrome; Hereditary breast and ovarian cancer syndrome (HBOC); Breast and ovarian cancer. Identifiers: Orphanet 145, MedGen C0677776, MeSH D061325, MONDO:0003582. Disease mechanism: loss of function.
Hereditary cancer-predisposing syndrome. Also called: Neoplastic Syndromes, Hereditary; Hereditary Cancer Syndrome; Tumor predisposition; Hereditary neoplastic syndrome. Identifiers: Orphanet 140162, MedGen C0027672, MeSH D009386, MONDO:0015356.

Submissions (2):

University of Washington Department of Laboratory Medicine, University of Washington
Classification: Likely benign for Hereditary cancer-predisposing syndrome. Last evaluated: 2023-03-23. Review status: criteria provided, single submitter. Criteria: Dines et al. (Genet Med. 2020). Collection method: curation. Allele origin: germline.
Comment: Missense variant in a coldspot region where missense variants are very unlikely to be pathogenic (PMID:31911673).

BRCA2 exon 11 coldspot. Reclassification based on statistical prior probability.

Labcorp Genetics (formerly Invitae), Labcorp
Classification: Uncertain significance for Hereditary breast ovarian cancer syndrome. Last evaluated: 2022-06-22. Review status: criteria provided, single submitter. Criteria: Invitae Variant Classification Sherloc (09022015). Collection method: clinical testing. Allele origin: germline.
Comment: This variant is not present in population databases (gnomAD no frequency). This sequence change replaces leucine, which is neutral and non-polar, with valine, which is neutral and non-polar, at codon 1366 of the BRCA2 protein (p.Leu1366Val). ClinVar contains an entry for this variant (Variation ID: 573867). This variant has not been reported in the literature in individuals affected with BRCA2-related conditions. In summary, the available evidence is currently insufficient to determine the role of this variant in disease. Therefore, it has been classified as a Variant of Uncertain Significance. Advanced modeling of protein sequence and biophysical properties (such as structural, functional, and spatial information, amino acid conservation, physicochemical variation, residue mobility, and thermodynamic stability) performed at Invitae indicates that this missense variant is not expected to disrupt BRCA2 protein function.

NM_000059.4(BRCA2):c.4096C>G (p.Leu1366Val)

Gene: BRCA2 (BRCA2 DNA repair associated; plus strand). Cytogenetic location: 13q13.1.
Variant type: single nucleotide variant.
Coding change: c.4096C>G on transcript NM_000059.4 (MANE Select); coding-DNA position 4096, C replaced by G.
Protein change: p.Leu1366Val; replaces leucine 1366 with valine.
Molecular consequence: missense variant.
Genome position (GRCh38, 1-based): chr13:32,338,451, C>G. VCF-style: chr13-32338451-C-G. GRCh37 (hg19) VCF-style: chr13-32912588-C-G.
Other names: short protein forms L1366V.
Identifiers: ClinVar variation 573867 (VCV000573867.12), dbSNP rs1566229657, ClinGen allele CA387779237.
Genomic context (GRCh38, chr13:32,338,451, plus strand): 5'-ACTGTTTGTATTCATAAAGATGAAACGGACTTGCTATTTACTGATCAGCACAACATATGT[C>G]TTAAATTATCTGGCCAGTTTATGAAGGAGGGAAACACTCAGATTAAAGAAGATTTGTCAG-3'
Protein context (NP_000050.3, residues 1356-1376): LLFTDQHNIC[Leu1366Val]KLSGQFMKEG